The following is an entry in ClinVar:

NM_006031.6(PCNT):c.7986G>A (p.Gly2662=)

Gene: PCNT (pericentrin; plus strand). Cytogenetic location: 21q22.3.
Variant type: single nucleotide variant.
Coding change: c.7986G>A on transcript NM_006031.6 (MANE Select); coding-DNA position 7986, G replaced by A.
Protein change: p.Gly2662=; no amino-acid change (glycine 2662 retained).
Molecular consequence: synonymous variant.
Genome position (GRCh38, 1-based): chr21:46,430,579, G>A. VCF-style: chr21-46430579-G-A. GRCh37 (hg19) VCF-style: chr21-47850493-G-A.
Other names: c.7986G>A (NM_006031.5); c.7632G>A, p.Gly2544= (NM_001315529.2).
Identifiers: ClinVar variation 2961739 (VCV002961739.4), dbSNP rs749181058, ClinGen allele CA10080851.

ClinVar aggregate classification (germline): Likely benign. Review status: criteria provided, multiple submitters, no conflicts (2 of 4 stars). 2 submissions from 2 submitters: Likely benign (2). Last evaluated 2025-06-12.

Conditions:
PCNT-related disorder. Also called: PCNT-related condition.

Allele frequency attached by ClinVar (database versions not stated): gnomAD 0.00001; TOPMed 0.00002.
gnomAD v4.1: 44 of 1,562,114 alleles (0.0028%); highest among the groups gnomAD compares: Non-Finnish European, 0.0037%; no homozygotes.

Submissions (2):

PreventionGenetics, part of Exact Sciences
Classification: Likely benign for PCNT-related condition. Last evaluated: 2025-06-12. Review status: criteria provided, single submitter. Criteria: ACMG Guidelines, 2015. Collection method: clinical testing. Allele origin: germline.
Comment: This variant is classified as likely benign based on ACMG/AMP sequence variant interpretation guidelines (Richards et al. 2015 PMID: 25741868, with internal and published modifications).

Labcorp Genetics (formerly Invitae), Labcorp
Classification: Likely benign. Last evaluated: 2024-03-01. Review status: criteria provided, single submitter. Criteria: Invitae Variant Classification Sherloc (09022015). Collection method: clinical testing. Allele origin: germline.